The following is an entry in ClinVar:

NM_001042681.2(RERE):c.1603C>T (p.His535Tyr)

Gene: RERE (arginine-glutamic acid dipeptide repeats; minus strand). Cytogenetic location: 1p36.23.
Variant type: single nucleotide variant.
Coding change: c.1603C>T on transcript NM_001042681.2 (MANE Select); coding-DNA position 1603, C replaced by T.
Protein change: p.His535Tyr; replaces histidine 535 with tyrosine.
Molecular consequence: missense variant. On other transcripts: 5 prime UTR variant (1).
Genome position (GRCh38, 1-based): chr1:8,364,193, G>A on the plus strand (C>T on the coding strand, the complement: RERE is on the minus strand). VCF-style: chr1-8364193-G-A. GRCh37 (hg19) VCF-style: chr1-8424253-G-A.
Other names: c.-60C>T (NM_001042682.2); c.1603C>T, p.His535Tyr (NM_012102.4); short protein forms H535Y.
Identifiers: ClinVar variation 2507361 (VCV002507361.1), dbSNP rs2522738286, ClinGen allele CA338174400.

ClinVar aggregate classification (germline): Uncertain significance (1 of 4 stars; one submission).

Submission:

GeneDx
Classification: Uncertain significance. Last evaluated: 2022-12-31. Review status: criteria provided, single submitter. Criteria: GeneDx Variant Classification Process June 2021. Collection method: clinical testing. Allele origin: germline. Affected: yes.
Comment: Not observed at significant frequency in large population cohorts (gnomAD); In silico analysis supports that this missense variant does not alter protein structure/function; Has not been previously published as pathogenic or benign to our knowledge